The following is an entry in ClinVar:

NM_005002.5(NDUFA9):c.1069C>T (p.Arg357Cys)

Gene: NDUFA9 (NADH:ubiquinone oxidoreductase subunit A9; plus strand). Cytogenetic location: 12p13.32.
Variant type: single nucleotide variant.
Coding change: c.1069C>T on transcript NM_005002.5 (MANE Select); coding-DNA position 1069, C replaced by T.
Protein change: p.Arg357Cys; replaces arginine 357 with cysteine.
Molecular consequence: missense variant.
Genome position (GRCh38, 1-based): chr12:4,687,043, C>T. VCF-style: chr12-4687043-C-T. GRCh37 (hg19) VCF-style: chr12-4796209-C-T.
Other names: short protein forms R357C.
Identifiers: ClinVar variation 1934966 (VCV001934966.5), dbSNP rs371660599, ClinGen allele CA6398372.

ClinVar aggregate classification (germline): Uncertain significance (1 of 4 stars; one submission).

Allele frequency attached by ClinVar (database versions not stated): gnomAD 0.00001; gnomAD exomes 0.00001; ExAC 0.00002; TOPMed 0.00002; ESP Exome Variant Server 0.00008.
gnomAD v4.1: 21 of 1,614,084 alleles (0.0013%); highest among the groups gnomAD compares: Admixed American, 0.005%; no homozygotes.

Submission:

Labcorp Genetics (formerly Invitae), Labcorp
Classification: Uncertain significance. Last evaluated: 2024-01-22. Review status: criteria provided, single submitter. Criteria: Invitae Variant Classification Sherloc (09022015). Collection method: clinical testing. Allele origin: germline.
Comment: This sequence change replaces arginine, which is basic and polar, with cysteine, which is neutral and slightly polar, at codon 357 of the NDUFA9 protein (p.Arg357Cys). This variant is present in population databases (rs371660599, gnomAD 0.006%). This variant has not been reported in the literature in individuals affected with NDUFA9-related conditions. ClinVar contains an entry for this variant (Variation ID: 1934966). An algorithm developed to predict the effect of missense changes on protein structure and function (PolyPhen-2) suggests that this variant is likely to be disruptive. Algorithms developed to predict the effect of sequence changes on RNA splicing suggest that this variant may disrupt the consensus splice site. In summary, the available evidence is currently insufficient to determine the role of this variant in disease. Therefore, it has been classified as a Variant of Uncertain Significance.